The following is an entry in ClinVar:

ClinVar aggregate classification (germline): Uncertain significance (1 of 4 stars; one submission).

Conditions:
Familial sleep-related hypermotor epilepsy. Also called: Autosomal Dominant Sleep-Related Hypermotor (Hyperkinetic) Epilepsy. Identifiers: Orphanet 98784, MedGen C3696898, MONDO:0000030.

Allele frequency attached by ClinVar (database versions not stated): TOPMed 0.00001.

Submission:

Labcorp Genetics (formerly Invitae), Labcorp
Classification: Uncertain significance for Familial sleep-related hypermotor epilepsy. Last evaluated: 2018-06-26. Review status: criteria provided, single submitter. Criteria: Invitae Variant Classification Sherloc (09022015). Collection method: clinical testing. Allele origin: germline.
Comment: Algorithms developed to predict the effect of missense changes on protein structure and function output the following: SIFT: "Tolerated"; PolyPhen-2: "Benign"; Align-GVGD: "Class C0". The leucine amino acid residue is found in multiple mammalian species, suggesting that this missense change does not adversely affect protein function. These predictions have not been confirmed by published functional studies and their clinical significance is uncertain. Algorithms developed to predict the effect of sequence changes on RNA splicing suggest that this variant may create or strengthen a splice site, but this prediction has not been confirmed by published transcriptional studies. In summary, the available evidence is currently insufficient to determine the role of this variant in disease. Therefore, it has been classified as a Variant of Uncertain Significance. This variant has not been reported in the literature in individuals with PRIMA1-related disease. This sequence change replaces phenylalanine with leucine at codon 29 of the PRIMA1 protein (p.Phe29Leu). The phenylalanine residue is moderately conserved and there is a small physicochemical difference between phenylalanine and leucine. While this variant is not present in population databases, the frequency information is unreliable, as metrics indicate poor data quality at this position in the ExAC database.

NM_178013.4(PRIMA1):c.87C>A (p.Phe29Leu)

Gene: PRIMA1 (proline rich membrane anchor 1; minus strand). Cytogenetic location: 14q32.12.
Variant type: single nucleotide variant.
Coding change: c.87C>A on transcript NM_178013.4 (MANE Select); coding-DNA position 87, C replaced by A.
Protein change: p.Phe29Leu; replaces phenylalanine 29 with leucine.
Molecular consequence: missense variant.
Genome position (GRCh38, 1-based): chr14:93,787,632, G>T on the plus strand (C>A on the coding strand, the complement: PRIMA1 is on the minus strand). VCF-style: chr14-93787632-G-T. GRCh37 (hg19) VCF-style: chr14-94253978-G-T.
Other names: short protein forms F29L.
Identifiers: ClinVar variation 565523 (VCV000565523.9), dbSNP rs1474313538, ClinGen allele CA391146907.
Genomic context (GRCh38, chr14:93,787,632, plus strand): 5'-CTCGCCCCTTACCCAGGAGGCCCTCCCAGCCAGTGCGCAGCCGGCGCGTCTCACCTGCAC[G>T]AAGCCCCAGAGCGGGTGGAGCGCGCAGTGCAGCAGCAGCGAGGACCAGCAGCAGCCACGG-3'
Protein context (NP_821092.1, residues 19-39): LHCALHPLWG[Phe29Leu]VQVTHGEPQK